The following is an entry in ClinVar:

ClinVar aggregate classification (germline): Likely benign (1 of 4 stars; one submission).

Submission:

GeneDx
Classification: Likely benign. Last evaluated: 2015-11-23. Review status: criteria provided, single submitter. Criteria: GeneDx Variant Classification (06012015). Collection method: clinical testing. Allele origin: germline. Affected: yes.
Comment: This variant is considered likely benign or benign based on one or more of the following criteria: it is a conservative change, it occurs at a poorly conserved position in the protein, it is predicted to be benign by multiple in silico algorithms, and/or has population frequency not consistent with disease.

NM_001999.4(FBN2):c.8193-18T>A

Gene: FBN2 (fibrillin 2; minus strand). Cytogenetic location: 5q23.3.
Variant type: single nucleotide variant.
Coding change: c.8193-18T>A on transcript NM_001999.4 (MANE Select); 18 bases into the intron before coding-DNA position 8193, T replaced by A.
Molecular consequence: intron variant.
Genome position (GRCh38, 1-based): chr5:128,261,925, A>T on the plus strand (T>A on the coding strand, the complement: FBN2 is on the minus strand). VCF-style: chr5-128261925-A-T. GRCh37 (hg19) VCF-style: chr5-127597617-A-T.
Identifiers: ClinVar variation 381749 (VCV000381749.1), dbSNP rs1057521159, ClinGen allele CA16605238.
Genomic context (GRCh38, chr5:128,261,925, plus strand): 5'-CAGGTACTGCCCCTTGTTAAATCCCATTCCTGAGACACAGTGGCTATTTGCAAAAAGCAA[A>T]GTATTGTTAGACTTTATCACTGACTTGACCATAGTTTTCCAGTGGTAGAGCAGACTCTTC-3'